The following is an entry in ClinVar:

NM_004999.4(MYO6):c.1176A>G (p.Thr392=)

Gene: MYO6 (myosin VI; plus strand). Cytogenetic location: 6q14.1.
Variant type: single nucleotide variant.
Coding change: c.1176A>G on transcript NM_004999.4 (MANE Select); coding-DNA position 1176, A replaced by G.
Protein change: p.Thr392=; no amino-acid change (threonine 392 retained).
Molecular consequence: synonymous variant. On other transcripts: non-coding transcript variant (1).
Genome position (GRCh38, 1-based): chr6:75,855,236, A>G. VCF-style: chr6-75855236-A-G. GRCh37 (hg19) VCF-style: chr6-76564953-A-G.
Other names: c.1176A>G, p.Thr392= (NM_001300899.2, NM_001368136.1, NM_001368137.1 and 2 more transcripts); c.1161A>G, p.Thr387= (NM_001368138.1).
Identifiers: ClinVar variation 45134 (VCV000045134.20), dbSNP rs2273857, ClinGen allele CA135593.

ClinVar aggregate classification (germline): Benign/Likely benign. Review status: criteria provided, multiple submitters, no conflicts (2 of 4 stars). 7 submissions from 6 submitters: Benign (5); Likely benign (2). Last evaluated 2026-01-24.

Conditions:
Autosomal dominant nonsyndromic hearing loss 22. Also called: Autosomal dominant nonsyndromic deafness 22; DFNA 22. Identifiers: Orphanet 228012, MedGen C2931767, MONDO:0011660, OMIM 606346.
Autosomal recessive nonsyndromic hearing loss 37. Identifiers: Orphanet 90636, MedGen C1843028, MONDO:0011912, OMIM 607821.

Allele frequency attached by ClinVar (database versions not stated): ESP Exome Variant Server 0.00984; gnomAD 0.01200 and 0.01287; TOPMed 0.01306; gnomAD exomes 0.01642 and 0.01658; ExAC 0.01686; 1000 Genomes Project 30x 0.02420; 1000 Genomes Project 0.02656.
gnomAD v4.1: 26,370 of 1,613,670 alleles (1.6%); highest among the groups gnomAD compares: East Asian, 9.3%; 409 homozygotes.

Submissions (7):

Labcorp Genetics (formerly Invitae), Labcorp
Classification: Benign. Last evaluated: 2026-01-24. Review status: criteria provided, single submitter. Criteria: Invitae Variant Classification Sherloc (09022015). Collection method: clinical testing. Allele origin: germline.

Athena Diagnostics
Classification: Benign. Last evaluated: 2019-03-15. Review status: criteria provided, single submitter. Criteria: Athena Diagnostics Criteria. Collection method: clinical testing. Allele origin: germline.

Illumina Laboratory Services, Illumina
Classification: Likely benign for Autosomal recessive nonsyndromic hearing loss 37. Last evaluated: 2018-01-13. Review status: criteria provided, single submitter. Criteria: ICSL Variant Classification Criteria 13 December 2019. Collection method: clinical testing. Allele origin: germline.
Comment: This variant was observed in the ICSL laboratory as part of a predisposition screen in an ostensibly healthy population. It had not been previously curated by ICSL or reported in the Human Gene Mutation Database (HGMD: prior to June 1st, 2018), and was therefore a candidate for classification through an automated scoring system. Utilizing variant allele frequency, disease prevalence and penetrance estimates, and inheritance mode, an automated score was calculated to assess if this variant is too frequent to cause the disease. Based on the score and internal cut-off values, a variant classified as likely benign is not then subjected to further curation. The score for this variant resulted in a classification of likely benign for this disease.

Illumina Laboratory Services, Illumina
Classification: Benign for Autosomal dominant nonsyndromic hearing loss 22. Last evaluated: 2018-01-13. Review status: criteria provided, single submitter. Criteria: ICSL Variant Classification Criteria 13 December 2019. Collection method: clinical testing. Allele origin: germline.
Comment: This variant was observed in the ICSL laboratory as part of a predisposition screen in an ostensibly healthy population. It had not been previously curated by ICSL or reported in the Human Gene Mutation Database (HGMD: prior to June 1st, 2018), and was therefore a candidate for classification through an automated scoring system. Utilizing variant allele frequency, disease prevalence and penetrance estimates, and inheritance mode, an automated score was calculated to assess if this variant is too frequent to cause the disease. Based on the score and internal cut-off values, a variant classified as benign is not then subjected to further curation. The score for this variant resulted in a classification of benign for this disease.

GeneDx
Classification: Benign. Last evaluated: 2017-08-22. Review status: criteria provided, single submitter. Criteria: GeneDx Variant Classification (06012015). Collection method: clinical testing. Allele origin: germline. Affected: yes.
Comment: This variant is considered likely benign or benign based on one or more of the following criteria: it is a conservative change, it occurs at a poorly conserved position in the protein, it is predicted to be benign by multiple in silico algorithms, and/or has population frequency not consistent with disease.

Laboratory for Molecular Medicine, Mass General Brigham Personalized Medicine
Classification: Benign. Last evaluated: 2010-06-30. Review status: criteria provided, single submitter. Criteria: LMM Criteria. Collection method: clinical testing. Allele origin: germline. Observed: 53 variant alleles.

Breakthrough Genomics
Classification: Likely benign. Review status: criteria provided, single submitter. Criteria: ACMG Guidelines, 2015. Collection method: not provided. Allele origin: germline. Inheritance: Autosomal recessive inheritance. Affected: yes.